The following is an entry in ClinVar:

NM_000338.3(SLC12A1):c.223C>T (p.Gln75Ter)

Gene: SLC12A1 (solute carrier family 12 member 1; plus strand). Cytogenetic location: 15q21.1.
Variant type: single nucleotide variant.
Coding change: c.223C>T on transcript NM_000338.3 (MANE Select); coding-DNA position 223, C replaced by T.
Protein change: p.Gln75Ter; replaces glutamine 75 with a stop codon.
Molecular consequence: nonsense.
Genome position (GRCh38, 1-based): chr15:48,207,942, C>T. VCF-style: chr15-48207942-C-T. GRCh37 (hg19) VCF-style: chr15-48500139-C-T.
Other names: c.223C>T, p.Gln75Ter (NM_001184832.2, NM_001384136.1); short protein forms Q75*.
Identifiers: ClinVar variation 1342020 (VCV001342020.9), dbSNP rs1048935147, ClinGen allele CA269495181.
Genomic context (GRCh38, chr15:48,207,942, plus strand): 5'-CAGAAAAGACTCAGAATCAGCTTTAGGCCTGGGAATCAGGAGTGCTATGACAATTTCCTC[C>T]AAAGTGGAGAAACTGCTAAAACAGATGCCAGTTTTCACGCTTATGATTCTCACACAAACA-3'

ClinVar aggregate classification (germline): Pathogenic/Likely pathogenic. Review status: criteria provided, multiple submitters, no conflicts (2 of 4 stars). 4 submissions from 4 submitters: Pathogenic (3); Likely pathogenic (1). Last evaluated 2024-01-23.

Conditions:
SLC12A1-related disorder. Also called: SLC12A1-related condition.
Bartter disease type 1. Also called: HYPERPROSTAGLANDIN E SYNDROME 1; HYPOKALEMIC ALKALOSIS WITH HYPERCALCIURIA 1, ANTENATAL; Bartter syndrome, type 1, antenatal; Bartter Syndrome type 1. Identifiers: Orphanet 112, Orphanet 620217, MedGen C1866495, MONDO:0100344, OMIM 601678, MONDO:0011127.

Allele frequency attached by ClinVar (database versions not stated): gnomAD exomes below 0.00001.
gnomAD v4.1: 7 of 1,613,996 alleles (0.00043%); highest among the groups gnomAD compares: Admixed American, 0.005%; no homozygotes.

Submissions (4):

Fulgent Genetics
Classification: Pathogenic for Bartter disease type 1. Last evaluated: 2024-01-23. Review status: criteria provided, single submitter. Criteria: ACMG Guidelines, 2015. Collection method: clinical testing. Allele origin: germline.

Labcorp Genetics (formerly Invitae), Labcorp
Classification: Pathogenic. Last evaluated: 2023-07-19. Review status: criteria provided, single submitter. Criteria: Invitae Variant Classification Sherloc (09022015). Collection method: clinical testing. Allele origin: germline.
Comment: ClinVar contains an entry for this variant (Variation ID: 1342020). For these reasons, this variant has been classified as Pathogenic. This premature translational stop signal has been observed in individual(s) with Bartter syndrome type 1 (PMID: 32997713). This variant is not present in population databases (gnomAD no frequency). This sequence change creates a premature translational stop signal (p.Gln75*) in the SLC12A1 gene. It is expected to result in an absent or disrupted protein product. Loss-of-function variants in SLC12A1 are known to be pathogenic (PMID: 8640224, 9585600, 19096086).

Pars Genome Lab
Classification: Pathogenic for Bartter disease type 1. Last evaluated: 2022-02-21. Review status: criteria provided, single submitter. Criteria: ACMG Guidelines, 2015. Collection method: clinical testing. Allele origin: germline. Inheritance: Autosomal recessive inheritance. Affected: yes.

Blueprint Genetics
Classification: Likely pathogenic for SLC12A1-related disorders. Last evaluated: 2020-02-25. Review status: criteria provided, single submitter. Criteria: ACMG Guidelines, 2015. Collection method: clinical testing. Allele origin: germline. Affected: yes. Observed: 1 variant allele.

Literature cited by the submitters: PubMed 32997713 (cited by Labcorp Genetics (formerly Invitae), Labcorp); PubMed 8640224 (cited by Labcorp Genetics (formerly Invitae), Labcorp); PubMed 9585600 (cited by Labcorp Genetics (formerly Invitae), Labcorp); PubMed 19096086 (cited by Labcorp Genetics (formerly Invitae), Labcorp).